The following is an entry in ClinVar:

NM_001365276.2(TNXB):c.5085G>A (p.Thr1695=)

Gene: TNXB (tenascin XB; minus strand). Cytogenetic location: 6p21.33.
Variant type: single nucleotide variant.
Coding change: c.5085G>A on transcript NM_001365276.2 (MANE Select); coding-DNA position 5085, G replaced by A.
Protein change: p.Thr1695=; no amino-acid change (threonine 1695 retained).
Molecular consequence: synonymous variant.
Genome position (GRCh38, 1-based): chr6:32,070,320, C>T on the plus strand (G>A on the coding strand, the complement: TNXB is on the minus strand). VCF-style: chr6-32070320-C-T. GRCh37 (hg19) VCF-style: chr6-32038097-C-T.
Other names: c.5085G>A, p.Thr1695= (NM_019105.8).
Identifiers: ClinVar variation 1745241 (VCV001745241.3), dbSNP rs780170896, ClinGen allele CA3734796.

ClinVar aggregate classification (germline): Uncertain significance. Review status: criteria provided, multiple submitters, no conflicts (2 of 4 stars). 2 submissions from 2 submitters: Uncertain significance (2). Last evaluated 2023-03-01.

Conditions:
Cardiovascular phenotype. Identifiers: MedGen CN230736.

Allele frequency attached by ClinVar (database versions not stated): ExAC 0.00001; gnomAD exomes 0.00001.
gnomAD v4.1: 21 of 1,611,550 alleles (0.0013%); highest among the groups gnomAD compares: East Asian, 0.0022%; 1 homozygote.

Submissions (2):

GeneDx
Classification: Uncertain significance. Last evaluated: 2023-03-01. Review status: criteria provided, single submitter. Criteria: GeneDx Variant Classification Process June 2021. Collection method: clinical testing. Allele origin: germline. Affected: yes.
Comment: Has not been previously published as pathogenic or benign to our knowledge; Not observed at significant frequency in large population cohorts (gnomAD); In silico analysis suggests this variant may impact gene splicing. In the absence of RNA/functional studies, the actual effect of this sequence change is unknown.

Ambry Genetics
Classification: Uncertain significance for Cardiovascular phenotype. Last evaluated: 2021-06-14. Review status: criteria provided, single submitter. Criteria: Ambry Variant Classification Scheme 2023. Collection method: clinical testing. Allele origin: germline.
Comment: The c.5085G>A variant (also known as p.T1695T), located in coding exon 13 of the TNXB gene, results from a G to A substitution at nucleotide position 5085. This nucleotide substitution does not change the at codon 1695. This nucleotide position is poorly conserved in available vertebrate species. In silico splice site analysis predicts that this alteration will result in the creation or strengthening of a novel splice acceptor site. Since supporting evidence is limited at this time, the clinical significance of this alteration remains unclear.